The following is an entry in ClinVar:

NM_144701.3(IL23R):c.1498A>G (p.Asn500Asp)

Gene: IL23R (interleukin 23 receptor; plus strand). Cytogenetic location: 1p31.3.
Variant type: single nucleotide variant.
Coding change: c.1498A>G on transcript NM_144701.3 (MANE Select); coding-DNA position 1498, A replaced by G.
Protein change: p.Asn500Asp; replaces asparagine 500 with aspartic acid.
Molecular consequence: missense variant.
Genome position (GRCh38, 1-based): chr1:67,258,736, A>G. VCF-style: chr1-67258736-A-G. GRCh37 (hg19) VCF-style: chr1-67724419-A-G.
Other names: short protein forms N500D.
Identifiers: ClinVar variation 1391966 (VCV001391966.6), dbSNP rs2100397830, ClinGen allele CA340728554.

ClinVar aggregate classification (germline): Uncertain significance (1 of 4 stars; one submission).

Submission:

Labcorp Genetics (formerly Invitae), Labcorp
Classification: Uncertain significance. Last evaluated: 2025-03-18. Review status: criteria provided, single submitter. Criteria: Invitae Variant Classification Sherloc (09022015). Collection method: clinical testing. Allele origin: germline.
Comment: This sequence change replaces asparagine, which is neutral and polar, with aspartic acid, which is acidic and polar, at codon 500 of the IL23R protein (p.Asn500Asp). This variant is not present in population databases (gnomAD no frequency). This variant has not been reported in the literature in individuals affected with IL23R-related conditions. ClinVar contains an entry for this variant (Variation ID: 1391966). An algorithm developed to predict the effect of missense changes on protein structure and function (PolyPhen-2) suggests that this variant is likely to be tolerated. In summary, the available evidence is currently insufficient to determine the role of this variant in disease. Therefore, it has been classified as a Variant of Uncertain Significance.